The following is an entry in ClinVar:

NM_001354483.2(CSGALNACT1):c.1526T>G (p.Met509Arg)

Gene: CSGALNACT1 (chondroitin sulfate N-acetylgalactosaminyltransferase 1; minus strand). Cytogenetic location: 8p21.3.
Variant type: single nucleotide variant.
Coding change: c.1526T>G on transcript NM_001354483.2 (MANE Select); coding-DNA position 1526, T replaced by G.
Protein change: p.Met509Arg; replaces methionine 509 with arginine.
Molecular consequence: missense variant. On other transcripts: non-coding transcript variant (7).
Genome position (GRCh38, 1-based): chr8:19,405,853, A>C on the plus strand (T>G on the coding strand, the complement: CSGALNACT1 is on the minus strand). VCF-style: chr8-19405853-A-C. GRCh37 (hg19) VCF-style: chr8-19263364-A-C.
Other names: c.1526T>G, p.Met509Arg (NM_001354488.2, NM_001354489.2, NM_001354490.2 and 18 more transcripts); short protein forms M509R.
Identifiers: ClinVar variation 1373326 (VCV001373326.6), dbSNP rs533235539, ClinGen allele CA4653737.

ClinVar aggregate classification (germline): Uncertain significance. Review status: criteria provided, multiple submitters, no conflicts (2 of 4 stars). 2 submissions from 2 submitters: Uncertain significance (2). Last evaluated 2024-01-29.

Conditions:
Skeletal dysplasia, mild, with joint laxity and advanced bone age. Identifiers: MedGen C5394341, MONDO:0030029, OMIM 618870.

Allele frequency attached by ClinVar (database versions not stated): gnomAD 0.00006 and 0.00011; gnomAD exomes 0.00007 and 0.00015; ExAC 0.00012; 1000 Genomes Project 30x 0.00016; 1000 Genomes Project 0.00020; TOPMed 0.00020.
gnomAD v4.1: 123 of 1,614,136 alleles (0.0076%); highest among the groups gnomAD compares: East Asian, 0.13%; 1 homozygote.

Submissions (2):

Labcorp Genetics (formerly Invitae), Labcorp
Classification: Uncertain significance. Last evaluated: 2024-01-29. Review status: criteria provided, single submitter. Criteria: Invitae Variant Classification Sherloc (09022015). Collection method: clinical testing. Allele origin: germline.
Comment: This sequence change replaces methionine, which is neutral and non-polar, with arginine, which is basic and polar, at codon 509 of the CSGALNACT1 protein (p.Met509Arg). This variant is present in population databases (rs533235539, gnomAD 0.2%). This variant has not been reported in the literature in individuals affected with CSGALNACT1-related conditions. ClinVar contains an entry for this variant (Variation ID: 1373326). Advanced modeling of protein sequence and biophysical properties (such as structural, functional, and spatial information, amino acid conservation, physicochemical variation, residue mobility, and thermodynamic stability) performed at Invitae indicates that this missense variant is not expected to disrupt CSGALNACT1 protein function with a negative predictive value of 80%. Experimental studies have shown that this missense change affects CSGALNACT1 function (PMID: 21160489). In summary, the available evidence is currently insufficient to determine the role of this variant in disease. Therefore, it has been classified as a Variant of Uncertain Significance.

Juno Genomics, Hangzhou Juno Genomics, Inc
Classification: Uncertain significance for Skeletal dysplasia, mild, with joint laxity and advanced bone age. Review status: criteria provided, single submitter. Criteria: ACMG Guidelines, 2015. Collection method: clinical testing. Allele origin: germline.
Comment: Absent from controls (or at extremely low frequency if recessive) in Genome Aggregation Database.

Literature cited by the submitters: PubMed 21160489 (cited by Labcorp Genetics (formerly Invitae), Labcorp).